The following is an entry in ClinVar:

NM_001165963.4(SCN1A):c.1096G>C (p.Asp366His)

Gene: SCN1A (sodium voltage-gated channel alpha subunit 1; minus strand). Cytogenetic location: 2q24.3.
Variant type: single nucleotide variant.
Coding change: c.1096G>C on transcript NM_001165963.4 (MANE Select); coding-DNA position 1096, G replaced by C.
Protein change: p.Asp366His; replaces aspartic acid 366 with histidine.
Molecular consequence: missense variant. On other transcripts: 5 prime UTR variant (1), non-coding transcript variant (1).
Genome position (GRCh38, 1-based): chr2:166,047,701, C>G on the plus strand (G>C on the coding strand, the complement: SCN1A is on the minus strand). VCF-style: chr2-166047701-C-G. GRCh37 (hg19) VCF-style: chr2-166904211-C-G.
Other names: c.1096G>C, p.Asp366His (NM_001165964.3, NM_001202435.3, NM_001353948.2 and 10 more transcripts); c.-1330G>C (NM_001353961.2); short protein forms D366H.
Identifiers: ClinVar variation 390594 (VCV000390594.48), dbSNP rs750209664, ClinGen allele CA16603845.
Genomic context (GRCh38, chr2:166,047,701, plus strand): 5'-TTTCCCAGAAGTCCTGAGTCATTAGTCGAAACAAGGACAAAAAAGCCCAACTGAAGGTAT[C>G]AAAGCTTGTGTAGCCATAATTGGGATTTCTACCAGCTTTCACACACATATATCCCTCTGG-3'
Protein context (NP_001159435.1, residues 356-376): RNPNYGYTSF[Asp366His]TFSWAFLSLF

ClinVar aggregate classification (germline): Pathogenic/Likely pathogenic. Review status: criteria provided, multiple submitters, no conflicts (2 of 4 stars). 3 submissions from 3 submitters: Pathogenic (1); Likely pathogenic (2). Last evaluated 2023-05-24.

Conditions:
Early-infantile DEE. Also called: Early infantile epileptic encephalopathy; Ohtahara syndrome; Early infantile epileptic encephalopathy with suppression bursts. Identifiers: Orphanet 1934, MedGen C0393706, MONDO:0800491.

Submissions (3):

Labcorp Genetics (formerly Invitae), Labcorp
Classification: Pathogenic for Early-infantile DEE. Last evaluated: 2023-05-24. Review status: criteria provided, single submitter. Criteria: Invitae Variant Classification Sherloc (09022015). Collection method: clinical testing. Allele origin: germline.
Comment: For these reasons, this variant has been classified as Pathogenic. This variant disrupts the p.Asp366 amino acid residue in SCN1A. Other variant(s) that disrupt this residue have been observed in individuals with SCN1A-related conditions (PMID: 18413471), which suggests that this may be a clinically significant amino acid residue. Algorithms developed to predict the effect of sequence changes on RNA splicing suggest that this variant may disrupt the consensus splice site. Advanced modeling of protein sequence and biophysical properties (such as structural, functional, and spatial information, amino acid conservation, physicochemical variation, residue mobility, and thermodynamic stability) performed at Invitae indicates that this missense variant is expected to disrupt SCN1A protein function. ClinVar contains an entry for this variant (Variation ID: 390594). This missense change has been observed in individual(s) with clinical features of Dravet syndrome (Invitae). In at least one individual the variant was observed to be de novo. This variant is not present in population databases (gnomAD no frequency). This sequence change replaces aspartic acid, which is acidic and polar, with histidine, which is basic and polar, at codon 366 of the SCN1A protein (p.Asp366His).

CeGaT Center for Human Genetics Tuebingen
Classification: Likely pathogenic. Last evaluated: 2018-08-01. Review status: criteria provided, single submitter. Criteria: CeGaT Center For Human Genetics Tuebingen Variant Classification Criteria Version 2. Collection method: clinical testing. Allele origin: germline. Affected: yes. Observed: 1 variant allele.

GeneDx
Classification: Likely pathogenic. Last evaluated: 2016-11-01. Review status: criteria provided, single submitter. Criteria: GeneDx Variant Classification (06012015). Collection method: clinical testing. Allele origin: germline. Affected: yes.
Comment: The D366H variant has not been published as a pathogenic variant, nor has it been reported as a benign variant to our knowledge. It was not observed in approximately 6,500 individuals of European and African American ancestry in the NHLBI Exome Sequencing Project, indicating it is not a common benign variant in these populations. The D366H variant is a non-conservative amino acid substitution, which is likely to impact secondary protein structure as these residues differ in polarity, charge, size and/or other properties. This substitution alters a conserved position predicted to be within the pore forming loop between the S5 and S6 transmembrane segments of the first homologous domain. Additionally, a missense variant at the same residue (D366E) has been reported in the Human Gene Mutation Database in association with SCN1A-related disorders (Stenson et al., 2014). In silico analysis predicts this variant is probably damaging to the protein structure/function. Therefore, this variant is likely pathogenic; however, the possibility that it is benign cannot be excluded.

Literature cited by the submitters: PubMed 18413471 (cited by Labcorp Genetics (formerly Invitae), Labcorp).